The following is an entry in ClinVar:

NM_000052.7(ATP7A):c.2669T>C (p.Ile890Thr)

Gene: ATP7A (ATPase copper transporting alpha; plus strand). Cytogenetic location: Xq21.1.
Variant type: single nucleotide variant.
Coding change: c.2669T>C on transcript NM_000052.7 (MANE Select); coding-DNA position 2669, T replaced by C.
Protein change: p.Ile890Thr; replaces isoleucine 890 with threonine.
Molecular consequence: missense variant.
Genome position (GRCh38, 1-based): chrX:78,020,286, T>C. VCF-style: chrX-78020286-T-C. GRCh37 (hg19) VCF-style: chrX-77275783-T-C.
Other names: c.2435T>C, p.Ile812Thr (NM_001282224.2); short protein forms I812T, I890T.
Identifiers: ClinVar variation 1310590 (VCV001310590.21), dbSNP rs2149099646, ClinGen allele CA413602431.

ClinVar aggregate classification (germline): Uncertain significance. Review status: criteria provided, multiple submitters, no conflicts (2 of 4 stars). 2 submissions from 2 submitters: Uncertain significance (2). Last evaluated 2024-05-01.

Submissions (2):

CeGaT Center for Human Genetics Tuebingen
Classification: Uncertain significance. Last evaluated: 2024-05-01. Review status: criteria provided, single submitter. Criteria: CeGaT Center For Human Genetics Tuebingen Variant Classification Criteria Version 2. Collection method: clinical testing. Allele origin: germline. Affected: yes. Observed: 1 variant allele.
Comment: ATP7A: PM2, PP3

GeneDx
Classification: Uncertain significance. Last evaluated: 2019-12-02. Review status: criteria provided, single submitter. Criteria: GeneDx Variant Classification Process June 2021. Collection method: clinical testing. Allele origin: germline. Affected: yes.
Comment: Has not been previously published as pathogenic or benign to our knowledge; Not observed in large population cohorts (Lek et al., 2016); In silico analysis, which includes protein predictors and evolutionary conservation, supports a deleterious effect